The following is an entry in ClinVar:

ClinVar aggregate classification (germline): Pathogenic. Review status: criteria provided, multiple submitters, no conflicts (2 of 4 stars). 2 submissions from 2 submitters: Pathogenic (2). Last evaluated 2024-12-09.

Conditions:
Cerebral cavernous malformation (CCM). Also called: CAVERNOUS ANGIOMA, FAMILIAL; CAVERNOUS ANGIOMATOUS MALFORMATIONS; CEREBRAL CAPILLARY MALFORMATIONS; Cerebral cavernous malformations; Cerebral cavernous hemangioma (type); Cavernous Hemangioma of Brain. Identifiers: Orphanet 221061, MedGen C2919945, MONDO:0000820, OMIM 116860, HP:0033522.

Submissions (2):

Clinical Genetics Laboratory, Skane University Hospital Lund
Classification: Pathogenic for Cerebral cavernous malformation. Last evaluated: 2024-12-09. Review status: criteria provided, single submitter. Criteria: ACMG Guidelines, 2015. Collection method: clinical testing. Allele origin: germline. Affected: yes.
Comment: PVS1, PS4_Supporting, PM2

Athena Diagnostics
Classification: Pathogenic. Last evaluated: 2016-10-17. Review status: criteria provided, single submitter. Criteria: Athena Diagnostics Criteria. Collection method: clinical testing. Allele origin: germline.

NM_194454.3(KRIT1):c.486-1G>A

Gene: KRIT1 (KRIT1 ankyrin repeat containing; minus strand). Cytogenetic location: 7q21.2.
Variant type: single nucleotide variant.
Coding change: c.486-1G>A on transcript NM_194454.3 (MANE Select); the canonical splice acceptor site of the intron before coding-DNA position 486, G replaced by A.
Molecular consequence: splice acceptor variant.
Genome position (GRCh38, 1-based): chr7:92,235,647, C>T on the plus strand (G>A on the coding strand, the complement: KRIT1 is on the minus strand). VCF-style: chr7-92235647-C-T. GRCh37 (hg19) VCF-style: chr7-91864961-C-T.
Other names: c.486-1G>A (NM_001350672.1, NM_001350676.1, NM_001350673.1 and 29 more transcripts); c.-98-1G>A (NM_001350671.1).
Identifiers: ClinVar variation 447675 (VCV000447675.2), dbSNP rs1554529341, ClinGen allele CA368161652.
Genomic context (GRCh38, chr7:92,235,647, plus strand): 5'-GGAGAAGGTCGGAATAAAGCTGGAATAAAGTGAGATTGTGCATGACGTTCATCTAACCAC[C>T]TGGCAAAATAAAAAAACAGGTAGAAGTAGCCATTCGAAAGTGAAGATGAAAAAGATAGAT-3'